The following is an entry in ClinVar:

NM_000038.6(APC):c.3305A>G (p.Tyr1102Cys)

Gene: APC (APC regulator of Wnt signaling pathway; plus strand). Cytogenetic location: 5q22.2.
Variant type: single nucleotide variant.
Coding change: c.3305A>G on transcript NM_000038.6 (MANE Select); coding-DNA position 3305, A replaced by G.
Protein change: p.Tyr1102Cys; replaces tyrosine 1102 with cysteine.
Molecular consequence: missense variant.
Genome position (GRCh38, 1-based): chr5:112,838,899, A>G. VCF-style: chr5-112838899-A-G. GRCh37 (hg19) VCF-style: chr5-112174596-A-G.
Other names: c.3305A>G, p.Tyr1102Cys (NM_001127510.3, NM_001354895.2); c.3251A>G, p.Tyr1084Cys (NM_001127511.3); c.3359A>G, p.Tyr1120Cys (NM_001354896.2); c.3335A>G, p.Tyr1112Cys (NM_001354897.2); c.3230A>G, p.Tyr1077Cys (NM_001354898.2); c.3221A>G, p.Tyr1074Cys (NM_001354899.2); c.3182A>G, p.Tyr1061Cys (NM_001354900.2); c.3128A>G, p.Tyr1043Cys (NM_001354901.2); and 5 more; short protein forms Y1084C, Y1102C, Y1077C, Y1011C, Y1074C, Y1043C, Y1061C, Y1120C.
Identifiers: ClinVar variation 420808 (VCV000420808.19), dbSNP rs769608546, ClinGen allele CA034960.

ClinVar aggregate classification (germline): Uncertain significance. Review status: criteria provided, multiple submitters, no conflicts (2 of 4 stars). 4 submissions from 4 submitters: Uncertain significance (4). Last evaluated 2025-05-21.

Conditions:
Hereditary cancer-predisposing syndrome. Also called: Hereditary neoplastic syndrome; Tumor predisposition; Neoplastic Syndromes, Hereditary; Hereditary Cancer Syndrome. Identifiers: Orphanet 140162, MedGen C0027672, MeSH D009386, MONDO:0015356.
Familial adenomatous polyposis 1 (FAP1). Also called: FAMILIAL ADENOMATOUS POLYPOSIS 1, ATTENUATED; POLYPOSIS, ADENOMATOUS INTESTINAL. Identifiers: MedGen C2713442, MONDO:0021056, OMIM 175100. Disease mechanism: loss of function.

Allele frequency attached by ClinVar (database versions not stated): gnomAD exomes below 0.00001; ExAC 0.00001; gnomAD 0.00001; TOPMed 0.00001.
gnomAD v4.1: 2 of 1,614,044 alleles (0.00012%); highest among the groups gnomAD compares: African/African-American, 0.0013%; no homozygotes.

Submissions (4):

Labcorp Genetics (formerly Invitae), Labcorp
Classification: Uncertain significance for Familial adenomatous polyposis 1. Last evaluated: 2025-05-21. Review status: criteria provided, single submitter. Criteria: Invitae Variant Classification Sherloc (09022015). Collection method: clinical testing. Allele origin: germline.
Comment: This sequence change replaces tyrosine, which is neutral and polar, with cysteine, which is neutral and slightly polar, at codon 1102 of the APC protein (p.Tyr1102Cys). This variant is present in population databases (rs769608546, gnomAD 0.007%). This variant has not been reported in the literature in individuals affected with APC-related conditions. ClinVar contains an entry for this variant (Variation ID: 420808). Invitae Evidence Modeling of protein sequence and biophysical properties (such as structural, functional, and spatial information, amino acid conservation, physicochemical variation, residue mobility, and thermodynamic stability) indicates that this missense variant is not expected to disrupt APC protein function with a negative predictive value of 95%. In summary, the available evidence is currently insufficient to determine the role of this variant in disease. Therefore, it has been classified as a Variant of Uncertain Significance.

Ambry Genetics
Classification: Uncertain significance for Hereditary cancer-predisposing syndrome. Last evaluated: 2025-05-01. Review status: criteria provided, single submitter. Criteria: Ambry Variant Classification Scheme 2023. Collection method: clinical testing. Allele origin: germline.
Comment: The p.Y1102C variant (also known as c.3305A>G), located in coding exon 15 of the APC gene, results from an A to G substitution at nucleotide position 3305. The tyrosine at codon 1102 is replaced by cysteine, an amino acid with highly dissimilar properties. This amino acid position is well conserved in available vertebrate species. In addition, in silico predictors for this gene do not accurately predict pathogenicity. Since supporting evidence is limited at this time, the clinical significance of this alteration remains unclear.

Revvity Omics, Revvity
Classification: Uncertain significance. Last evaluated: 2024-12-05. Review status: criteria provided, single submitter. Criteria: ACMG Guidelines, 2015. Collection method: clinical testing. Allele origin: germline.

GeneDx
Classification: Uncertain significance. Last evaluated: 2018-11-12. Review status: criteria provided, single submitter. Criteria: GeneDx Variant Classification (06012015). Collection method: clinical testing. Allele origin: germline. Affected: yes.
Comment: This variant is denoted APC c.3305A>G at the cDNA level, p.Tyr1102Cys (Y1102C) at the protein level, and results in the change of a Tyrosine to a Cysteine (TAC>TGC). This variant has not, to our knowledge, been published in the literature as a pathogenic or benign germline variant. APC APC Tyr1102Cys was not observed at a significant allele frequency in large population cohorts (Lek 2016). This variant is located in the 15-amino acid repeat Beta-catenin binding domain (Azzopardi 2008). In silico analysis, which includes protein predictors and evolutionary conservation, supports that this variant does not alter protein structure/function. Based on currently available evidence, it is unclear whether APC Tyr1102Cys is a pathogenic or benign variant. We consider it to be a variant of uncertain significance.